The following is an entry in ClinVar:

ClinVar aggregate classification (germline): Likely pathogenic. Review status: criteria provided, multiple submitters, no conflicts (2 of 4 stars). 2 submissions from 2 submitters: Likely pathogenic (2). Last evaluated 2021-10-01.

Submissions (3):

CeGaT Center for Human Genetics Tuebingen
Classification: Likely pathogenic. Last evaluated: 2021-10-01. Review status: criteria provided, single submitter. Criteria: CeGaT Center For Human Genetics Tuebingen Variant Classification Criteria Version 2. Collection method: clinical testing. Allele origin: germline. Affected: yes. Observed: 2 variant alleles.

Labcorp Genetics (formerly Invitae), Labcorp
Classification: Likely pathogenic. Last evaluated: 2018-02-06. Review status: criteria provided, single submitter. Criteria: Invitae Variant Classification Sherloc (09022015). Collection method: clinical testing. Allele origin: germline.
Comment: In summary, the currently available evidence indicates that the variant is pathogenic, but additional data are needed to prove that conclusively. Therefore, this variant has been classified as Likely Pathogenic. Donor and acceptor splice site variants typically lead to a loss of protein function (PMID: 16199547), and loss-of-function variants in CIC are known to be pathogenic (PMID: 28263302, 28288114). Algorithms developed to predict the effect of sequence changes on RNA splicing suggest that this variant may disrupt the consensus splice site, but this prediction has not been confirmed by published transcriptional studies. This variant has not been reported in the literature in individuals with CIC-related disease. This variant is not present in population databases (ExAC no frequency). This sequence change affects a donor splice site in intron 3 of the CIC gene. It is expected to disrupt RNA splicing and likely results in an absent or disrupted protein product.

Dr. Peter K. Rogan Lab, Western University
No classification provided (evidence only). Condition: Glioma susceptibility 1. Review status: no classification provided. Collection method: in vitro. Allele origin: not applicable. Functional consequence: retained intron. Not counted in ClinVar's aggregate classification.

Literature cited by the submitters: PubMed 16199547 (cited by Labcorp Genetics (formerly Invitae), Labcorp); PubMed 28263302 (cited by Labcorp Genetics (formerly Invitae), Labcorp); PubMed 28288114 (cited by Labcorp Genetics (formerly Invitae), Labcorp).

NM_001386298.1(CIC):c.3179+1G>A

Gene: CIC (capicua transcriptional repressor; plus strand). Cytogenetic location: 19q13.2.
Variant type: single nucleotide variant.
Coding change: c.3179+1G>A on transcript NM_001386298.1 (MANE Select); the canonical splice donor site of the intron after coding-DNA position 3179, G replaced by A.
Molecular consequence: splice donor variant.
Genome position (GRCh38, 1-based): chr19:42,287,241, G>A. VCF-style: chr19-42287241-G-A. GRCh37 (hg19) VCF-style: chr19-42791393-G-A.
Other names: c.3179+1G>A (NM_001304815.2, NM_001379482.1, NM_001379480.1); c.452+1G>A (NM_015125.5, NM_001379484.1, NM_001379485.1).
Identifiers: ClinVar variation 1068017 (VCV001068017.42), dbSNP rs2147185256, ClinGen allele CA406097173.